The following is an entry in ClinVar:

ClinVar aggregate classification (germline): Benign/Likely benign. Review status: criteria provided, multiple submitters, no conflicts (2 of 4 stars). 14 submissions from 14 submitters: Benign (4); Likely benign (8). 2 of the submissions do not count toward it. Last evaluated 2026-02-01.

Conditions:
ATM-related disorder. Also called: ATM-related disorders; ATM-related condition.
Breast and/or ovarian cancer. Identifiers: MedGen CN221562.
Hereditary cancer-predisposing syndrome. Also called: Tumor predisposition; Hereditary neoplastic syndrome; Hereditary Cancer Syndrome; Neoplastic Syndromes, Hereditary. Identifiers: Orphanet 140162, MedGen C0027672, MeSH D009386, MONDO:0015356.
Familial cancer of breast. Also called: Hereditary breast cancer; hereditary breast carcinoma; BREAST CANCER, FAMILIAL. Identifiers: Orphanet 227535, MedGen C0346153, MONDO:0016419, OMIM 114480. Disease mechanism: loss of function.
Ataxia-telangiectasia syndrome (AT). Also called: ATAXIA-TELANGIECTASIA, COMPLEMENTATION GROUP A; ATAXIA-TELANGIECTASIA, FRESNO VARIANT; Ataxia-telangiectasia; Ataxia-telangiectasia, complementation group D; AT, COMPLEMENTATION GROUP C; Ataxia-telangiectasia, complementation group E. Identifiers: Orphanet 100, MedGen C0004135, MONDO:0008840, OMIM 208900.
Malignant tumor of breast. Also called: Cancer breast; Malignant breast neoplasm. Identifiers: MedGen C0006142, MONDO:0007254. Disease mechanism: loss of function.

Allele frequency attached by ClinVar (database versions not stated): TOPMed 0.00004; gnomAD exomes 0.00005 and 0.00010; ExAC 0.00006; gnomAD 0.00006; 1000 Genomes Project 30x 0.00016; 1000 Genomes Project 0.00020.
gnomAD v4.1: 80 of 1,612,254 alleles (0.005%); highest among the groups gnomAD compares: Admixed American, 0.0017%; no homozygotes.

Submissions (14):

Labcorp Genetics (formerly Invitae), Labcorp
Classification: Benign for Ataxia-telangiectasia syndrome. Last evaluated: 2026-02-01. Review status: criteria provided, single submitter. Criteria: Invitae Variant Classification Sherloc (09022015). Collection method: clinical testing. Allele origin: germline.

Blueprint Genetics
Classification: Likely benign. Last evaluated: 2024-07-18. Review status: criteria provided, single submitter. Criteria: ACMG Guidelines, 2015. Collection method: clinical testing. Allele origin: germline.

Myriad Genetics, Inc.
Classification: Benign for Familial cancer of breast. Last evaluated: 2024-04-18. Review status: criteria provided, single submitter. Criteria: Myriad Autosomal Dominant, Autosomal Recessive and X-Linked Classification Criteria (2023). Collection method: clinical testing. Allele origin: unknown.
Comment: This variant is considered benign. This variant is a silent/synonymous amino acid change and it is not expected to impact splicing.

Women's Health and Genetics/Laboratory Corporation of America, LabCorp
Classification: Likely benign. Last evaluated: 2024-03-23. Review status: criteria provided, single submitter. Criteria: LabCorp Variant Classification Summary - May 2015. Collection method: clinical testing. Allele origin: germline.

Institute for Biomarker Research, Medical Diagnostic Laboratories, L.L.C.
Classification: Benign for Hereditary cancer-predisposing syndrome. Last evaluated: 2023-10-17. Review status: criteria provided, single submitter. Criteria: ACMG Guidelines, 2015. Collection method: clinical testing. Allele origin: germline.

CeGaT Center for Human Genetics Tuebingen
Classification: Likely benign. Last evaluated: 2022-07-01. Review status: criteria provided, single submitter. Criteria: CeGaT Center For Human Genetics Tuebingen Variant Classification Criteria Version 2. Collection method: clinical testing. Allele origin: germline. Affected: yes. Observed: 1 variant allele.
Comment: ATM: BP4, BP7

Sema4
Classification: Likely benign for Hereditary cancer-predisposing syndrome. Last evaluated: 2020-05-27. Review status: criteria provided, single submitter. Criteria: Sema4 Curation Guidelines. Collection method: curation. Allele origin: germline.

CHEO Genetics Diagnostic Laboratory, Children's Hospital of Eastern Ontario
Classification: Likely benign for Breast and/or ovarian cancer. Last evaluated: 2020-02-12. Review status: criteria provided, single submitter. Criteria: ACMG Guidelines, 2015. Collection method: clinical testing. Allele origin: germline.

Genetic Services Laboratory, University of Chicago
Classification: Likely benign. Last evaluated: 2018-08-01. Review status: criteria provided, single submitter. Criteria: ACMG Guidelines, 2015. Collection method: clinical testing. Allele origin: germline. Affected: no.

Color Diagnostics, LLC DBA Color Health
Classification: Likely benign for Hereditary cancer-predisposing syndrome. Last evaluated: 2015-08-07. Review status: criteria provided, single submitter. Criteria: ACMG Guidelines, 2015. Collection method: clinical testing. Allele origin: germline.

GeneDx
Classification: Benign. Last evaluated: 2014-09-26. Review status: criteria provided, single submitter. Criteria: GeneDx Variant Classification (06012015). Collection method: clinical testing. Allele origin: germline. Affected: yes.
Comment: This variant is considered likely benign or benign based on one or more of the following criteria: it is a conservative change, it occurs at a poorly conserved position in the protein, it is predicted to be benign by multiple in silico algorithms, and/or has population frequency not consistent with disease.

Ambry Genetics
Classification: Likely benign for Hereditary cancer-predisposing syndrome. Last evaluated: 2014-07-27. Review status: criteria provided, single submitter. Criteria: Ambry Variant Classification Scheme 2023. Collection method: clinical testing. Allele origin: germline.

PreventionGenetics, part of Exact Sciences
Classification: Likely benign for ATM-related condition. Last evaluated: 2020-02-25. Review status: no assertion criteria provided. Collection method: clinical testing. Allele origin: germline. Not counted in ClinVar's aggregate classification.
Comment: This variant is classified as likely benign based on ACMG/AMP sequence variant interpretation guidelines (Richards et al. 2015 PMID: 25741868, with internal and published modifications).

Department of Pathology and Laboratory Medicine, Sinai Health System
Classification: Likely benign for Malignant tumor of breast. Review status: no assertion criteria provided. Collection method: clinical testing. Allele origin: unknown. Affected: yes. Study: The Canadian Open Genetics Repository (COGR). Not counted in ClinVar's aggregate classification.
Comment: The ATM p.Lys66= variant was not identified in the literature. The variant was identified in dbSNP (rs540920248) as â€šÃ„Ãºwith likely benign alleleâ€šÃ„Ã¹, ClinVar (interpreted as "likely benign" by Invitae and 3 others) and LOVD 3.0 (observed 1x). The variant was identified in control databases in 24 of 275,020 chromosomes at a frequency of 0.00009 (Genome Aggregation Database Feb 27, 2017). The variant was observed in the following populations: European in 1 of 125,518 chromosomes (freq: 0.000008), Ashkenazi Jewish in 23 of 10,074 chromosomes (freq: 0.002), but not in the African, Other, Latino, East Asian, Finnish and South Asian populations. The p.Lys66= variant is not expected to have clinical significance because it does not result in a change of amino acid and is not located in a known consensus splice site. The variant occurs outside of the splicing consensus sequence, and 4 of 4 in silico or computational prediction software programs (SpliceSiteFinder, MaxEntScan, NNSPLICE, GeneSplicer) do not predict a difference in splicing. In summary, based on the above information the clinical significance of this variant cannot be determined with certainty at this time although we would lean towards a more benign role for this variant. This variant is classified as likely benign.

NM_000051.4(ATM):c.198A>G (p.Lys66=)

Gene: ATM (ATM serine/threonine kinase; plus strand). Cytogenetic location: 11q22.3.
Variant type: single nucleotide variant.
Coding change: c.198A>G on transcript NM_000051.4 (MANE Select); coding-DNA position 198, A replaced by G.
Protein change: p.Lys66=; no amino-acid change (lysine 66 retained).
Molecular consequence: synonymous variant.
Genome position (GRCh38, 1-based): chr11:108,229,190, A>G. VCF-style: chr11-108229190-A-G. GRCh37 (hg19) VCF-style: chr11-108099917-A-G.
Other names: p.K66K:AAA>AAG; c.198A>G, p.Lys66= (NM_001351834.2, NM_001351835.2, NM_001351836.2).
Identifiers: ClinVar variation 135741 (VCV000135741.52), dbSNP rs540920248, ClinGen allele CA298001.